The following is an entry in ClinVar:

NM_001378454.1(ALMS1):c.770T>A (p.Ile257Asn)

Gene: ALMS1 (ALMS1 centrosome and basal body associated protein; plus strand). Cytogenetic location: 2p13.1.
Variant type: single nucleotide variant.
Coding change: c.770T>A on transcript NM_001378454.1 (MANE Select); coding-DNA position 770, T replaced by A.
Protein change: p.Ile257Asn; replaces isoleucine 257 with asparagine.
Molecular consequence: missense variant.
Genome position (GRCh38, 1-based): chr2:73,424,435, T>A. VCF-style: chr2-73424435-T-A. GRCh37 (hg19) VCF-style: chr2-73651563-T-A.
Other names: c.773T>A, p.Ile258Asn (NM_015120.4); short protein forms I257N, I258N.
Identifiers: ClinVar variation 1760397 (VCV001760397.6), dbSNP rs1411219300, ClinGen allele CA347260345.
Genomic context (GRCh38, chr2:73,424,435, plus strand): 5'-AAATTAAATGTTTTTAATGTTATTTATTTATTTATTTTTAACTATATATTTTCAGGGGAA[T>A]TCCTGATAAGTCTGAAGATACTGAATGGTCTTCTCGACCATCGGAAGTTAGTGAAGCTTT-3'
Protein context (NP_001365383.1, residues 247-267): SELSFAPLRG[Ile257Asn]PDKSEDTEWS

ClinVar aggregate classification (germline): Uncertain significance. Review status: criteria provided, multiple submitters, no conflicts (2 of 4 stars). 2 submissions from 2 submitters: Uncertain significance (2). Last evaluated 2024-04-15.

Conditions:
Cardiovascular phenotype. Identifiers: MedGen CN230736.
Alstrom syndrome (ALMS). Identifiers: Orphanet 64, MedGen C0268425, MONDO:0008763, OMIM 203800.

Allele frequency attached by ClinVar (database versions not stated): gnomAD 0.00001; gnomAD exomes 0.00001; TOPMed 0.00001.
gnomAD v4.1: 5 of 1,550,548 alleles (0.00032%); highest among the groups gnomAD compares: Non-Finnish European, 0.00043%; no homozygotes.

Submissions (2):

Ambry Genetics
Classification: Uncertain significance for Cardiovascular phenotype. Last evaluated: 2024-04-15. Review status: criteria provided, single submitter. Criteria: Ambry Variant Classification Scheme 2023. Collection method: clinical testing. Allele origin: germline.
Comment: The p.I258N variant (also known as c.773T>A), located in coding exon 5 of the ALMS1 gene, results from a T to A substitution at nucleotide position 773. The isoleucine at codon 258 is replaced by asparagine, an amino acid with dissimilar properties. This amino acid position is well conserved in available vertebrate species. In addition, this alteration is predicted to be tolerated by in silico analysis. Based on the available evidence, the clinical significance of this variant remains unclear.

Labcorp Genetics (formerly Invitae), Labcorp
Classification: Uncertain significance for Alstrom syndrome. Last evaluated: 2022-11-01. Review status: criteria provided, single submitter. Criteria: Invitae Variant Classification Sherloc (09022015). Collection method: clinical testing. Allele origin: germline.
Comment: In summary, the available evidence is currently insufficient to determine the role of this variant in disease. Therefore, it has been classified as a Variant of Uncertain Significance. Experimental studies and prediction algorithms are not available or were not evaluated, and the functional significance of this variant is currently unknown. This variant has not been reported in the literature in individuals affected with ALMS1-related conditions. This variant is present in population databases (no rsID available, gnomAD 0.007%). This sequence change replaces isoleucine, which is neutral and non-polar, with asparagine, which is neutral and polar, at codon 258 of the ALMS1 protein (p.Ile258Asn).